The following is an entry in ClinVar:

ClinVar aggregate classification (germline): Uncertain significance (1 of 4 stars; one submission).

Conditions:
Inborn genetic diseases. Identifiers: MedGen C0950123, MeSH D030342.

gnomAD v4.1: 1 of 1,614,204 alleles (0.000062%); highest among the groups gnomAD compares: South Asian, 0.0011%; no homozygotes.

Submission:

Ambry Genetics
Classification: Uncertain significance for Inborn genetic diseases. Last evaluated: 2026-03-02. Review status: criteria provided, single submitter. Criteria: Ambry Variant Classification Scheme 2023. Collection method: clinical testing. Allele origin: germline.
Comment: The p.E523D variant (also known as c.1569A>C), located in coding exon 12 of the FANCG gene, results from an A to C substitution at nucleotide position 1569. The glutamic acid at codon 523 is replaced by aspartic acid, an amino acid with highly similar properties. This amino acid position is conserved. In addition, this alteration is predicted to be tolerated by in silico analysis. Based on the available evidence, the clinical significance of this variant remains unclear.

NM_004629.2(FANCG):c.1569A>C (p.Glu523Asp)

Gene: FANCG (FA complementation group G; minus strand). Cytogenetic location: 9p13.3.
Variant type: single nucleotide variant.
Coding change: c.1569A>C on transcript NM_004629.2 (MANE Select); coding-DNA position 1569, A replaced by C.
Protein change: p.Glu523Asp; replaces glutamic acid 523 with aspartic acid.
Molecular consequence: missense variant.
Genome position (GRCh38, 1-based): chr9:35,074,994, T>G on the plus strand (A>C on the coding strand, the complement: FANCG is on the minus strand). VCF-style: chr9-35074994-T-G. GRCh37 (hg19) VCF-style: chr9-35074991-T-G.
Other names: short protein forms E523D.
Identifiers: ClinVar variation 4825752 (VCV004825752.1).
Genomic context (GRCh38, chr9:35,074,994, plus strand): 5'-CATCTGCACACTGAGGAGGAAGTCCTGTAAGGCTTTGGTATCCTGGCCGCTGGCTACCCA[T>G]TCCAGTCCACGACTAATTAGGGCGGCTGCCCGAAGCTGCTGCAGTGCCGCATCTGACTTA-3'
Protein context (NP_004620.1, residues 513-533): RAAALISRGL[Glu523Asp]WVASGQDTKA